The following is an entry in ClinVar:

ClinVar aggregate classification (germline): Uncertain significance. Review status: criteria provided, multiple submitters, no conflicts (2 of 4 stars). 2 submissions from 2 submitters: Uncertain significance (2). Last evaluated 2024-02-01.

Conditions:
Combined immunodeficiency due to CTPS1 deficiency. Also called: Immunodeficiency 24; Severe combined immunodeficiency due to CTPS1 deficiency. Identifiers: Orphanet 420573, MedGen C4014617, MONDO:0014391, OMIM 615897.

Submissions (2):

CeGaT Center for Human Genetics Tuebingen
Classification: Uncertain significance. Last evaluated: 2024-02-01. Review status: criteria provided, single submitter. Criteria: CeGaT Center For Human Genetics Tuebingen Variant Classification Criteria Version 2. Collection method: clinical testing. Allele origin: germline. Affected: yes. Observed: 2 variant alleles.
Comment: CTPS1: PM2, PS2:Moderate, PP3

Labcorp Genetics (formerly Invitae), Labcorp
Classification: Uncertain significance for Combined immunodeficiency due to CTPS1 deficiency. Last evaluated: 2023-12-10. Review status: criteria provided, single submitter. Criteria: Invitae Variant Classification Sherloc (09022015). Collection method: clinical testing. Allele origin: germline.
Comment: This sequence change replaces arginine, which is basic and polar, with tryptophan, which is neutral and slightly polar, at codon 102 of the CTPS1 protein (p.Arg102Trp). The frequency data for this variant in the population databases is considered unreliable, as metrics indicate poor data quality at this position in the gnomAD database. This variant has not been reported in the literature in individuals affected with CTPS1-related conditions. An algorithm developed to predict the effect of missense changes on protein structure and function (PolyPhen-2) suggests that this variant is likely to be disruptive. In summary, the available evidence is currently insufficient to determine the role of this variant in disease. Therefore, it has been classified as a Variant of Uncertain Significance.

NM_001905.4(CTPS1):c.304C>T (p.Arg102Trp)

Gene: CTPS1 (CTP synthase 1; plus strand). Cytogenetic location: 1p34.2.
Variant type: single nucleotide variant.
Coding change: c.304C>T on transcript NM_001905.4 (MANE Select); coding-DNA position 304, C replaced by T.
Protein change: p.Arg102Trp; replaces arginine 102 with tryptophan.
Molecular consequence: missense variant. On other transcripts: non-coding transcript variant (1).
Genome position (GRCh38, 1-based): chr1:40,984,958, C>T. VCF-style: chr1-40984958-C-T. GRCh37 (hg19) VCF-style: chr1-41450630-C-T.
Other names: short protein forms R102W.
Identifiers: ClinVar variation 2638724 (VCV002638724.27), dbSNP rs967797072, ClinGen allele CA21130376.